The following is an entry in ClinVar:

NM_000492.4(CFTR):c.2437T>C (p.Ser813Pro)

Gene: CFTR (CF transmembrane conductance regulator; plus strand). Cytogenetic location: 7q31.2.
Variant type: single nucleotide variant.
Coding change: c.2437T>C on transcript NM_000492.4 (MANE Select); coding-DNA position 2437, T replaced by C.
Protein change: p.Ser813Pro; replaces serine 813 with proline.
Molecular consequence: missense variant.
Genome position (GRCh38, 1-based): chr7:117,592,604, T>C. VCF-style: chr7-117592604-T-C. GRCh37 (hg19) VCF-style: chr7-117232658-T-C.
Other names: short protein forms S813P.
Identifiers: ClinVar variation 2577299 (VCV002577299.1), dbSNP rs1299270564, ClinGen allele CA368981298.

ClinVar aggregate classification (germline): Uncertain significance (1 of 4 stars; one submission).

Allele frequency attached by ClinVar (database versions not stated): TOPMed below 0.00001.

Submission:

Women's Health and Genetics/Laboratory Corporation of America, LabCorp
Classification: Uncertain significance. Last evaluated: 2023-07-25. Review status: criteria provided, single submitter. Criteria: LabCorp Variant Classification Summary - May 2015. Collection method: clinical testing. Allele origin: germline.
Comment: Variant summary: CFTR c.2437T>C (p.Ser813Pro) results in a non-conservative amino acid change located in the CFTR regulator domain (IPR025837) of the encoded protein sequence. Five of five in-silico tools predict a damaging effect of the variant on protein function. The variant was absent in 181008 control chromosomes. The available data on variant occurrences in the general population are insufficient to allow any conclusion about variant significance. c.2437T>C has been reported in the literature in at-least two chromosomes among individuals affected with Cystic Fibrosis (example Kanavakis_2003). These report(s) do not provide unequivocal conclusions about association of the variant with Cystic Fibrosis. To our knowledge, no experimental evidence demonstrating an impact on protein function has been reported. The following publications have been ascertained in the context of this evaluation (PMID: 12752573, 30600261). No submitters have cited clinical-significance assessments for this variant to ClinVar after 2014. Based on the evidence outlined above, the variant was classified as uncertain significance.

Literature cited by the submitters: PubMed 12752573; PubMed 30600261.